The following is an entry in ClinVar:

NM_003384.3(VRK1):c.1166G>A (p.Arg389Lys)

Gene: VRK1 (VRK serine/threonine kinase 1; plus strand). Cytogenetic location: 14q32.2.
Variant type: single nucleotide variant.
Coding change: c.1166G>A on transcript NM_003384.3 (MANE Select); coding-DNA position 1166, G replaced by A.
Protein change: p.Arg389Lys; replaces arginine 389 with lysine.
Molecular consequence: missense variant.
Genome position (GRCh38, 1-based): chr14:96,881,183, G>A. VCF-style: chr14-96881183-G-A. GRCh37 (hg19) VCF-style: chr14-97347520-G-A.
Other names: short protein forms R389K.
Identifiers: ClinVar variation 998862 (VCV000998862.10), dbSNP rs766501031, ClinGen allele CA7339221.

ClinVar aggregate classification (germline): Uncertain significance. Review status: criteria provided, multiple submitters, no conflicts (2 of 4 stars). 3 submissions from 3 submitters: Uncertain significance (2). 1 of the submissions does not count toward it. Last evaluated 2022-06-20.

Conditions:
Pontocerebellar hypoplasia type 1A (PCH1A). Also called: PONTOCEREBELLAR HYPOPLASIA WITH ANTERIOR HORN CELL DISEASE; PONTOCEREBELLAR HYPOPLASIA WITH INFANTILE SPINAL MUSCULAR ATROPHY. Identifiers: Orphanet 2254, Orphanet 88616, MedGen C1843504, MONDO:0011866, OMIM 607596.

Allele frequency attached by ClinVar (database versions not stated): gnomAD exomes below 0.00001; gnomAD 0.00001; TOPMed 0.00001; ExAC 0.00003.

Submissions (3):

Labcorp Genetics (formerly Invitae), Labcorp
Classification: Uncertain significance for Pontocerebellar hypoplasia type 1A. Last evaluated: 2022-06-20. Review status: criteria provided, single submitter. Criteria: Invitae Variant Classification Sherloc (09022015). Collection method: clinical testing. Allele origin: germline.
Comment: This sequence change replaces arginine, which is basic and polar, with lysine, which is basic and polar, at codon 389 of the VRK1 protein (p.Arg389Lys). This variant is not present in population databases (gnomAD no frequency). This variant has not been reported in the literature in individuals affected with VRK1-related conditions. ClinVar contains an entry for this variant (Variation ID: 998862). Algorithms developed to predict the effect of missense changes on protein structure and function output the following: SIFT: "Tolerated"; PolyPhen-2: "Benign"; Align-GVGD: "Class C0". The lysine amino acid residue is found in multiple mammalian species, which suggests that this missense change does not adversely affect protein function. In summary, the available evidence is currently insufficient to determine the role of this variant in disease. Therefore, it has been classified as a Variant of Uncertain Significance.

GeneDx
Classification: Uncertain significance. Last evaluated: 2019-06-04. Review status: criteria provided, single submitter. Criteria: GeneDx Variant Classification Process June 2021. Collection method: clinical testing. Allele origin: germline. Affected: yes.
Comment: Not observed in large population cohorts (Lek et al., 2016); In silico analysis, which includes protein predictors and evolutionary conservation, supports that this variant does not alter protein structure/function; Has not been previously published as pathogenic or benign to our knowledge

Natera, Inc.
Classification: Uncertain significance for Pontocerebellar hypoplasia, type 1a. Last evaluated: 2020-06-17. Review status: no assertion criteria provided. Collection method: clinical testing. Allele origin: germline. Not counted in ClinVar's aggregate classification.